The following is an entry in ClinVar:

NM_006267.5(RANBP2):c.9035-4C>T

Gene: RANBP2 (RAN binding protein 2; plus strand). Cytogenetic location: 2q13.
Variant type: single nucleotide variant.
Coding change: c.9035-4C>T on transcript NM_006267.5 (MANE Select); 4 bases into the intron before coding-DNA position 9035, C replaced by T.
Molecular consequence: intron variant.
Genome position (GRCh38, 1-based): chr2:108,782,524, C>T. VCF-style: chr2-108782524-C-T. GRCh37 (hg19) VCF-style: chr2-109398980-C-T.
Identifiers: ClinVar variation 1168466 (VCV001168466.33), dbSNP rs753514543, ClinGen allele CA1823970.

ClinVar aggregate classification (germline): Benign/Likely benign. Review status: criteria provided, multiple submitters, no conflicts (2 of 4 stars). 3 submissions from 3 submitters: Benign (1); Likely benign (2). Last evaluated 2024-06-01.

Conditions:
Familial acute necrotizing encephalopathy (IIAE3). Also called: ENCEPHALOPATHY, ACUTE, INFECTION-INDUCED, SUSCEPTIBILITY TO, 3; Susceptibility to Acute Necrotizing Encephalopathy 1. Identifiers: Orphanet 88619, MedGen C2675556, MONDO:0011953, OMIM 608033.

Allele frequency attached by ClinVar (database versions not stated): ExAC 0.00003; gnomAD exomes 0.00005 and 0.00006; gnomAD 0.00006 and 0.00007; TOPMed 0.00006.
gnomAD v4.1: 84 of 1,613,850 alleles (0.0052%); highest among the groups gnomAD compares: Non-Finnish European, 0.0019%; no homozygotes.

Submissions (3):

CeGaT Center for Human Genetics Tuebingen
Classification: Likely benign. Last evaluated: 2024-06-01. Review status: criteria provided, single submitter. Criteria: CeGaT Center For Human Genetics Tuebingen Variant Classification Criteria Version 2. Collection method: clinical testing. Allele origin: germline. Affected: yes. Observed: 2 variant alleles.
Comment: RANBP2: BP4

Blueprint Genetics
Classification: Likely benign. Last evaluated: 2023-06-21. Review status: criteria provided, single submitter. Criteria: ACMG Guidelines, 2015. Collection method: clinical testing. Allele origin: germline.

Labcorp Genetics (formerly Invitae), Labcorp
Classification: Benign for Familial acute necrotizing encephalopathy. Last evaluated: 2020-06-22. Review status: criteria provided, single submitter. Criteria: Invitae Variant Classification Sherloc (09022015). Collection method: clinical testing. Allele origin: germline.